The following is an entry in ClinVar:

NM_001854.4(COL11A1):c.272C>G (p.Pro91Arg)

Gene: COL11A1 (collagen type XI alpha 1 chain; minus strand). Cytogenetic location: 1p21.1.
Variant type: single nucleotide variant.
Coding change: c.272C>G on transcript NM_001854.4 (MANE Select); coding-DNA position 272, C replaced by G.
Protein change: p.Pro91Arg; replaces proline 91 with arginine.
Molecular consequence: missense variant. On other transcripts: non-coding transcript variant (1).
Genome position (GRCh38, 1-based): chr1:103,082,807, G>C on the plus strand (C>G on the coding strand, the complement: COL11A1 is on the minus strand). VCF-style: chr1-103082807-G-C. GRCh37 (hg19) VCF-style: chr1-103548363-G-C.
Other names: c.272C>G, p.Pro91Arg (NM_001190709.2, NM_080629.3, NM_080630.4); short protein forms P91R.
Identifiers: ClinVar variation 1307581 (VCV001307581.2), dbSNP rs1672517531, ClinGen allele CA341168437.

ClinVar aggregate classification (germline): Uncertain significance (1 of 4 stars; one submission).

Submission:

GeneDx
Classification: Uncertain significance. Last evaluated: 2019-08-01. Review status: criteria provided, single submitter. Criteria: GeneDx Variant Classification Process June 2021. Collection method: clinical testing. Allele origin: germline. Affected: yes.
Comment: Not observed in large population cohorts (Lek et al., 2016); In silico analysis, which includes protein predictors and evolutionary conservation, supports a deleterious effect; Not located in the triple helical region, where the majority of pathogenic missense variants occur (Stenson et al., 2014; Acke et al., 2014)